The following is an entry in ClinVar:

NM_004304.5(ALK):c.4381A>T (p.Ile1461Phe)

Gene: ALK (ALK receptor tyrosine kinase; minus strand). Cytogenetic location: 2p23.2.
Variant type: single nucleotide variant.
Coding change: c.4381A>T on transcript NM_004304.5 (MANE Select); coding-DNA position 4381, A replaced by T.
Protein change: p.Ile1461Phe; replaces isoleucine 1461 with phenylalanine.
Molecular consequence: missense variant.
Genome position (GRCh38, 1-based): chr2:29,193,706, T>A on the plus strand (A>T on the coding strand, the complement: ALK is on the minus strand). VCF-style: chr2-29193706-T-A. GRCh37 (hg19) VCF-style: chr2-29416572-T-A.
Other names: c.1177A>T, p.Ile393Phe (NM_001353765.2); short protein forms I393F, I1461F.
Identifiers: ClinVar variation 2913624 (VCV002913624.3), dbSNP rs1670283, ClinGen allele CA346462293.

ClinVar aggregate classification (germline): Uncertain significance (1 of 4 stars; one submission).

Conditions:
Neuroblastoma, susceptibility to, 3. Also called: ALK-Related Neuroblastic Tumor Susceptibility. Identifiers: Orphanet 635, MedGen C2751681, MONDO:0013083, OMIM 613014.

Submission:

Labcorp Genetics (formerly Invitae), Labcorp
Classification: Uncertain significance for Neuroblastoma, susceptibility to, 3. Last evaluated: 2024-01-13. Review status: criteria provided, single submitter. Criteria: Invitae Variant Classification Sherloc (09022015). Collection method: clinical testing. Allele origin: germline.
Comment: This sequence change replaces isoleucine, which is neutral and non-polar, with phenylalanine, which is neutral and non-polar, at codon 1461 of the ALK protein (p.Ile1461Phe). This variant is not present in population databases (gnomAD no frequency). This variant has not been reported in the literature in individuals affected with ALK-related conditions. An algorithm developed to predict the effect of missense changes on protein structure and function (PolyPhen-2) suggests that this variant is likely to be tolerated. In summary, the available evidence is currently insufficient to determine the role of this variant in disease. Therefore, it has been classified as a Variant of Uncertain Significance.